The following is an entry in ClinVar:

ClinVar aggregate classification (germline): Uncertain significance (1 of 4 stars; one submission).

Conditions:
Muscular dystrophy-dystroglycanopathy type B6 (MDDGB6). Also called: MUSCULAR DYSTROPHY, CONGENITAL, LARGE-RELATED; MUSCULAR DYSTROPHY, CONGENITAL, TYPE 1D; MUSCULAR DYSTROPHY-DYSTROGLYCANOPATHY (CONGENITAL WITH IMPAIRED INTELLECTUAL DEVELOPMENT), TYPE B, 6. Identifiers: MedGen C1837229, MONDO:0012138, OMIM 608840.

gnomAD v4.1: 1 of 1,614,100 alleles (0.000062%); no homozygotes.

Submission:

Labcorp Genetics (formerly Invitae), Labcorp
Classification: Uncertain significance for Muscular dystrophy-dystroglycanopathy type B6. Last evaluated: 2024-04-30. Review status: criteria provided, single submitter. Criteria: Invitae Variant Classification Sherloc (09022015). Collection method: clinical testing. Allele origin: germline.
Comment: This sequence change replaces alanine, which is neutral and non-polar, with valine, which is neutral and non-polar, at codon 469 of the LARGE1 protein (p.Ala469Val). This variant is not present in population databases (gnomAD no frequency). This variant has not been reported in the literature in individuals affected with LARGE1-related conditions. Advanced modeling of protein sequence and biophysical properties (such as structural, functional, and spatial information, amino acid conservation, physicochemical variation, residue mobility, and thermodynamic stability) performed at Invitae indicates that this missense variant is not expected to disrupt LARGE1 protein function with a negative predictive value of 80%. In summary, the available evidence is currently insufficient to determine the role of this variant in disease. Therefore, it has been classified as a Variant of Uncertain Significance.

NM_133642.5(LARGE1):c.1406C>T (p.Ala469Val)

Gene: LARGE1 (LARGE xylosyl- and glucuronyltransferase 1; minus strand). Cytogenetic location: 22q12.3.
Variant type: single nucleotide variant.
Coding change: c.1406C>T on transcript NM_133642.5 (MANE Select); coding-DNA position 1406, C replaced by T.
Protein change: p.Ala469Val; replaces alanine 469 with valine.
Molecular consequence: missense variant.
Genome position (GRCh38, 1-based): chr22:33,316,130, G>A on the plus strand (C>T on the coding strand, the complement: LARGE1 is on the minus strand). VCF-style: chr22-33316130-G-A. GRCh37 (hg19) VCF-style: chr22-33712116-G-A.
Other names: c.1406C>T, p.Ala469Val (NM_001362949.2, NM_001362951.2, NM_001362953.2 and 6 more transcripts); c.1250C>T, p.Ala417Val (NM_001378629.1); c.803C>T, p.Ala268Val (NM_001378630.1); c.647C>T, p.Ala216Val (NM_001378631.1); short protein forms A417V, A469V, A216V, A268V.
Identifiers: ClinVar variation 3716216 (VCV003716216.2).